The following is an entry in ClinVar:

NM_145064.3(STAC3):c.379A>G (p.Ile127Val)

Gene: STAC3 (SH3 and cysteine rich domain 3; minus strand). Cytogenetic location: 12q13.3.
Variant type: single nucleotide variant.
Coding change: c.379A>G on transcript NM_145064.3 (MANE Select); coding-DNA position 379, A replaced by G.
Protein change: p.Ile127Val; replaces isoleucine 127 with valine.
Molecular consequence: missense variant. On other transcripts: intron variant (1).
Genome position (GRCh38, 1-based): chr12:57,248,759, T>C on the plus strand (A>G on the coding strand, the complement: STAC3 is on the minus strand). VCF-style: chr12-57248759-T-C. GRCh37 (hg19) VCF-style: chr12-57642542-T-C.
Other names: c.262A>G, p.Ile88Val (NM_001286256.2); c.-126-561A>G (NM_001286257.2); short protein forms I88V, I127V.
Identifiers: ClinVar variation 2123516 (VCV002123516.4), dbSNP rs2548120672, ClinGen allele CA385416025.

ClinVar aggregate classification (germline): Uncertain significance (1 of 4 stars; one submission).

Conditions:
Bailey-Bloch congenital myopathy (CMYO13). Also called: Congenital myopathy 13; STAC3 disorder; Native American myopathy. Identifiers: Orphanet 168572, MedGen C1850625, MONDO:0009722, OMIM 255995.

gnomAD v4.1: 1 of 1,614,208 alleles (0.000062%); no homozygotes.

Submission:

Labcorp Genetics (formerly Invitae), Labcorp
Classification: Uncertain significance for Bailey-Bloch congenital myopathy. Last evaluated: 2022-08-22. Review status: criteria provided, single submitter. Criteria: Invitae Variant Classification Sherloc (09022015). Collection method: clinical testing. Allele origin: germline.
Comment: In summary, the available evidence is currently insufficient to determine the role of this variant in disease. Therefore, it has been classified as a Variant of Uncertain Significance. Algorithms developed to predict the effect of missense changes on protein structure and function are either unavailable or do not agree on the potential impact of this missense change (SIFT: "Tolerated"; PolyPhen-2: "Possibly Damaging"; Align-GVGD: "Class C0"). This variant has not been reported in the literature in individuals affected with STAC3-related conditions. This variant is not present in population databases (gnomAD no frequency). This sequence change replaces isoleucine, which is neutral and non-polar, with valine, which is neutral and non-polar, at codon 127 of the STAC3 protein (p.Ile127Val).